The following is an entry in ClinVar:

NM_002474.3(MYH11):c.3827C>A (p.Ala1276Glu)

Gene: MYH11 (myosin heavy chain 11; minus strand). Cytogenetic location: 16p13.11.
Variant type: single nucleotide variant.
Coding change: c.3827C>A on transcript NM_002474.3 (MANE Select); coding-DNA position 3827, C replaced by A.
Protein change: p.Ala1276Glu; replaces alanine 1276 with glutamic acid.
Molecular consequence: missense variant.
Genome position (GRCh38, 1-based): chr16:15,726,879, G>T on the plus strand (C>A on the coding strand, the complement: MYH11 is on the minus strand). VCF-style: chr16-15726879-G-T. GRCh37 (hg19) VCF-style: chr16-15820736-G-T.
Other names: c.3848C>A, p.Ala1283Glu (NM_001040113.2, NM_001040114.2); c.3827C>A, p.Ala1276Glu (NM_022844.3); short protein forms A1283E, A1276E.
Identifiers: ClinVar variation 4737349 (VCV004737349.1).

ClinVar aggregate classification (germline): Uncertain significance (1 of 4 stars; one submission).

Conditions:
Aortic aneurysm, familial thoracic 4 (AAT4). Also called: AORTIC ANEURYSM/AORTIC DISSECTION AND PATENT DUCTUS ARTERIOSUS. Identifiers: MedGen C1851504, MONDO:0007568, OMIM 132900.

gnomAD v4.1: 3 of 1,612,044 alleles (0.00019%); highest among the groups gnomAD compares: Non-Finnish European, 0.00025%; no homozygotes.

Submission:

Labcorp Genetics (formerly Invitae), Labcorp
Classification: Uncertain significance for Aortic aneurysm, familial thoracic 4. Last evaluated: 2025-06-25. Review status: criteria provided, single submitter. Criteria: Invitae Variant Classification Sherloc (09022015). Collection method: clinical testing. Allele origin: germline.
Comment: This sequence change replaces alanine, which is neutral and non-polar, with glutamic acid, which is acidic and polar, at codon 1283 of the MYH11 protein (p.Ala1283Glu). This variant is not present in population databases (gnomAD no frequency). This variant has not been reported in the literature in individuals affected with MYH11-related conditions. Invitae Evidence Modeling of protein sequence and biophysical properties (such as structural, functional, and spatial information, amino acid conservation, physicochemical variation, residue mobility, and thermodynamic stability) indicates that this missense variant is not expected to disrupt MYH11 protein function with a negative predictive value of 95%. In summary, the available evidence is currently insufficient to determine the role of this variant in disease. Therefore, it has been classified as a Variant of Uncertain Significance.